The following is an entry in ClinVar:

ClinVar aggregate classification (germline): Uncertain significance. Review status: criteria provided, multiple submitters, no conflicts (2 of 4 stars). 2 submissions from 2 submitters: Uncertain significance (2). Last evaluated 2024-03-06.

Conditions:
Cardiomyopathy (CMYO). Also called: Cardiomyopathies. Identifiers: Orphanet 167848, MedGen C0878544, MONDO:0004994, HP:0001638. Inheritance: Various modes of inheritance.
Familial isolated arrhythmogenic right ventricular dysplasia. Identifiers: Orphanet 217656, MedGen C4274968, MONDO:0016342.

Submissions (2):

Color Diagnostics, LLC DBA Color Health
Classification: Uncertain significance for Cardiomyopathy. Last evaluated: 2024-03-06. Review status: criteria provided, single submitter. Criteria: ACMG Guidelines, 2015. Collection method: clinical testing. Allele origin: germline.
Comment: This missense variant replaces threonine with alanine at codon 489 of the DSC2 protein. Computational prediction suggests that this variant may not impact protein structure and function (internally defined REVEL score threshold <= 0.5, PMID: 27666373). To our knowledge, functional studies have not been reported for this variant. This variant has not been reported in individuals affected with cardiovascular disorders in the literature. This variant has not been identified in the general population by the Genome Aggregation Database (gnomAD). The available evidence is insufficient to determine the role of this variant in disease conclusively. Therefore, this variant is classified as a Variant of Uncertain Significance.

All of Us Research Program, National Institutes of Health
Classification: Uncertain significance for Familial isolated arrhythmogenic right ventricular dysplasia. Last evaluated: 2023-09-17. Review status: criteria provided, single submitter. Criteria: ACMG Guidelines, 2015. Collection method: clinical testing. Allele origin: germline. Inheritance: Autosomal dominant inheritance. Observed: 1 variant allele, 1 heterozygote.
Comment: Variant of Uncertain Significance due to insufficient evidence: This missense variant is located in the extracellular cadherin domain 4 of the DSC2 protein. Computational prediction tools and conservation analyses suggest that this variant may not impact the protein function. Computational splicing tools suggest that this variant may not impact RNA splicing. To our knowledge, functional assays have not been performed for this variant nor has this variant been reported in individuals affected with cardiovascular disorders in the literature. This variant is rare in the general population and has been identified in 0/277264 chromosomes by the Genome Aggregation Database (gnomAD). Available evidence is insufficient to determine the pathogenicity of this variant conclusively.

This study involves interpretation of variants in research participants for the purpose of population health screening. Participant phenotype was not available at the time of variant classification. Additional details can be found in publication PMID: 35346344, PMCID: PMC8962531

NM_024422.6(DSC2):c.1465A>G (p.Thr489Ala)

Gene: DSC2 (desmocollin 2; minus strand). Cytogenetic location: 18q12.1.
Variant type: single nucleotide variant.
Coding change: c.1465A>G on transcript NM_024422.6 (MANE Select); coding-DNA position 1465, A replaced by G.
Protein change: p.Thr489Ala; replaces threonine 489 with alanine.
Molecular consequence: missense variant.
Genome position (GRCh38, 1-based): chr18:31,080,151, T>C on the plus strand (A>G on the coding strand, the complement: DSC2 is on the minus strand). VCF-style: chr18-31080151-T-C. GRCh37 (hg19) VCF-style: chr18-28660117-T-C.
Other names: c.1465A>G, p.Thr489Ala (NM_004949.5); short protein forms T489A.
Identifiers: ClinVar variation 927832 (VCV000927832.6), dbSNP rs1987163251, ClinGen allele CA402108443.
Genomic context (GRCh38, chr18:31,080,151, plus strand): 5'-AGTACCTTATGCCACTGCTACTTCTTGTTTCTGGGTCATATGCTTTATATCCATTGCTTG[T>C]TGTTCCCACTTCTGCATTTTCTTTCATGCGAACAGTCTGTATTGGAGGGTTACACTCAGG-3'
Protein context (NP_077740.1, residues 479-499): RMKENAEVGT[Thr489Ala]SNGYKAYDPE